The following is an entry in ClinVar:

NM_003737.4(DCHS1):c.5580C>A (p.Tyr1860Ter)

Gene: DCHS1 (dachsous cadherin-related 1; minus strand). Cytogenetic location: 11p15.4.
Variant type: single nucleotide variant.
Coding change: c.5580C>A on transcript NM_003737.4 (MANE Select); coding-DNA position 5580, C replaced by A.
Protein change: p.Tyr1860Ter; replaces tyrosine 1860 with a stop codon.
Molecular consequence: nonsense.
Genome position (GRCh38, 1-based): chr11:6,627,459, G>T on the plus strand (C>A on the coding strand, the complement: DCHS1 is on the minus strand). VCF-style: chr11-6627459-G-T. GRCh37 (hg19) VCF-style: chr11-6648690-G-T.
Other names: c.5580C>A (NM_003737.3); short protein forms Y1860*.
Identifiers: ClinVar variation 4701212 (VCV004701212.2).

ClinVar aggregate classification (germline): Pathogenic/Likely pathogenic. Review status: criteria provided, multiple submitters, no conflicts (2 of 4 stars). 2 submissions from 2 submitters: Pathogenic (1); Likely pathogenic (1). Last evaluated 2025-10-19.

Conditions:
DCHS1-related disorder. Also called: DCHS1-related condition.

Submissions (2):

Labcorp Genetics (formerly Invitae), Labcorp
Classification: Pathogenic. Last evaluated: 2025-10-19. Review status: criteria provided, single submitter. Criteria: Invitae Variant Classification Sherloc (09022015). Collection method: clinical testing. Allele origin: germline.
Comment: This sequence change creates a premature translational stop signal (p.Tyr1860*) in the DCHS1 gene. It is expected to result in an absent or disrupted protein product. Loss-of-function variants in DCHS1 are known to be pathogenic (PMID: 24056717, 26258302). This variant is not present in population databases (gnomAD no frequency). This variant has not been reported in the literature in individuals affected with DCHS1-related conditions. For these reasons, this variant has been classified as Pathogenic.

PreventionGenetics, part of Exact Sciences
Classification: Likely pathogenic for DCHS1-related condition. Last evaluated: 2025-04-27. Review status: criteria provided, single submitter. Criteria: ACMG Guidelines, 2015. Collection method: clinical testing. Allele origin: germline.
Comment: The DCHS1 c.5580C>A variant is predicted to result in premature protein termination (p.Tyr1860*). To our knowledge, this variant has not been reported in the literature or in a large population database (gnomAD), indicating this variant is rare. A different variant (c.5580C>G) resulting in the same early termination protein product (p.Tyr1860*) has been reported as pathogenic in ClinVar. Homozygous and compound heterozygous protein truncating variants in DCHS1 have been reported in patients with a diagnosis or symptoms of Van Maldergem syndrome (Al-Hamed et al. 2022. PubMed ID: 34853893; Sullivan et al. 2024. PubMed ID: 37853563). This variant is interpreted as likely pathogenic.

Literature cited by the submitters: PubMed 24056717 (cited by Labcorp Genetics (formerly Invitae), Labcorp); PubMed 26258302 (cited by Labcorp Genetics (formerly Invitae), Labcorp).